The following is an entry in ClinVar:

ClinVar aggregate classification (germline): Uncertain significance. Review status: criteria provided, multiple submitters, no conflicts (2 of 4 stars). 2 submissions from 2 submitters: Uncertain significance (2). Last evaluated 2024-07-20.

Conditions:
Hereditary cancer-predisposing syndrome. Also called: Hereditary neoplastic syndrome; Tumor predisposition; Neoplastic Syndromes, Hereditary; Hereditary Cancer Syndrome. Identifiers: Orphanet 140162, MedGen C0027672, MeSH D009386, MONDO:0015356.

Allele frequency attached by ClinVar (database versions not stated): ExAC 0.00001; ESP Exome Variant Server 0.00008.
gnomAD v4.1: 3 of 1,614,170 alleles (0.00019%); highest among the groups gnomAD compares: Non-Finnish European, 0.00025%; no homozygotes.

Submissions (2):

Labcorp Genetics (formerly Invitae), Labcorp
Classification: Uncertain significance. Last evaluated: 2024-07-20. Review status: criteria provided, single submitter. Criteria: Invitae Variant Classification Sherloc (09022015). Collection method: clinical testing. Allele origin: germline.
Comment: This sequence change replaces asparagine, which is neutral and polar, with aspartic acid, which is acidic and polar, at codon 633 of the POLE protein (p.Asn633Asp). This variant is not present in population databases (gnomAD no frequency). This variant has not been reported in the literature in individuals affected with POLE-related conditions. ClinVar contains an entry for this variant (Variation ID: 571609). Advanced modeling of protein sequence and biophysical properties (such as structural, functional, and spatial information, amino acid conservation, physicochemical variation, residue mobility, and thermodynamic stability) performed at Invitae indicates that this missense variant is expected to disrupt POLE protein function with a positive predictive value of 80%. In summary, the available evidence is currently insufficient to determine the role of this variant in disease. Therefore, it has been classified as a Variant of Uncertain Significance.

Ambry Genetics
Classification: Uncertain significance for Hereditary cancer-predisposing syndrome. Last evaluated: 2024-04-11. Review status: criteria provided, single submitter. Criteria: Ambry Variant Classification Scheme 2023. Collection method: clinical testing. Allele origin: germline.
Comment: The p.N633D variant (also known as c.1897A>G), located in coding exon 17 of the POLE gene, results from an A to G substitution at nucleotide position 1897. The asparagine at codon 633 is replaced by aspartic acid, an amino acid with highly similar properties. This amino acid position is conserved. In addition, this alteration is predicted to be tolerated by in silico analysis. Since supporting evidence is limited at this time, the clinical significance of this alteration remains unclear.

NM_006231.4(POLE):c.1897A>G (p.Asn633Asp)

Gene: POLE (DNA polymerase epsilon, catalytic subunit; minus strand). Cytogenetic location: 12q24.33.
Variant type: single nucleotide variant.
Coding change: c.1897A>G on transcript NM_006231.4 (MANE Select); coding-DNA position 1897, A replaced by G.
Protein change: p.Asn633Asp; replaces asparagine 633 with aspartic acid.
Molecular consequence: missense variant.
Genome position (GRCh38, 1-based): chr12:132,668,837, T>C on the plus strand (A>G on the coding strand, the complement: POLE is on the minus strand). VCF-style: chr12-132668837-T-C. GRCh37 (hg19) VCF-style: chr12-133245423-T-C.
Other names: short protein forms N633D.
Identifiers: ClinVar variation 571609 (VCV000571609.14), dbSNP rs141657198, ClinGen allele CA6893785.